The following is an entry in ClinVar:

ClinVar aggregate classification (germline): Uncertain significance (1 of 4 stars; one submission).

Allele frequency attached by ClinVar (database versions not stated): ExAC 0.00001; gnomAD exomes below 0.00001.
gnomAD v4.1: 2 of 1,613,122 alleles (0.00012%); highest among the groups gnomAD compares: South Asian, 0.0011%; no homozygotes.

Submission:

Labcorp Genetics (formerly Invitae), Labcorp
Classification: Uncertain significance. Last evaluated: 2022-04-13. Review status: criteria provided, single submitter. Criteria: Invitae Variant Classification Sherloc (09022015). Collection method: clinical testing. Allele origin: germline.
Comment: Algorithms developed to predict the effect of missense changes on protein structure and function are either unavailable or do not agree on the potential impact of this missense change (SIFT: "Tolerated"; PolyPhen-2: "Probably Damaging"; Align-GVGD: "Class C0"). This variant has not been reported in the literature in individuals affected with CCDC88A-related conditions. This variant is present in population databases (rs771395168, gnomAD 0.003%). This sequence change replaces serine, which is neutral and polar, with tyrosine, which is neutral and polar, at codon 747 of the CCDC88A protein (p.Ser747Tyr). In summary, the available evidence is currently insufficient to determine the role of this variant in disease. Therefore, it has been classified as a Variant of Uncertain Significance.

NM_001365480.1(CCDC88A):c.2240C>A (p.Ser747Tyr)

Gene: CCDC88A (coiled-coil and HOOK domain protein 88A; minus strand). Cytogenetic location: 2p16.1.
Variant type: single nucleotide variant.
Coding change: c.2240C>A on transcript NM_001365480.1 (MANE Select); coding-DNA position 2240, C replaced by A.
Protein change: p.Ser747Tyr; replaces serine 747 with tyrosine.
Molecular consequence: missense variant.
Genome position (GRCh38, 1-based): chr2:55,334,581, G>T on the plus strand (C>A on the coding strand, the complement: CCDC88A is on the minus strand). VCF-style: chr2-55334581-G-T. GRCh37 (hg19) VCF-style: chr2-55561717-G-T.
Other names: c.2240C>A, p.Ser747Tyr (NM_001135597.2, NM_001254943.2, NM_018084.5); short protein forms S747Y.
Identifiers: ClinVar variation 2124348 (VCV002124348.4), dbSNP rs771395168, ClinGen allele CA1666010.